The following is an entry in ClinVar:

NM_001273.5(CHD4):c.3788A>G (p.Asp1263Gly)

Gene: CHD4 (chromodomain helicase DNA binding protein 4; minus strand). Cytogenetic location: 12p13.31.
Variant type: single nucleotide variant.
Coding change: c.3788A>G on transcript NM_001273.5 (MANE Select); coding-DNA position 3788, A replaced by G.
Protein change: p.Asp1263Gly; replaces aspartic acid 1263 with glycine.
Molecular consequence: missense variant.
Genome position (GRCh38, 1-based): chr12:6,587,475, T>C on the plus strand (A>G on the coding strand, the complement: CHD4 is on the minus strand). VCF-style: chr12-6587475-T-C. GRCh37 (hg19) VCF-style: chr12-6696641-T-C.
Other names: c.3767A>G, p.Asp1256Gly (NM_001297553.2); c.3749A>G, p.Asp1250Gly (NM_001363606.2); short protein forms D1256G, D1250G, D1263G.
Identifiers: ClinVar variation 4614584 (VCV004614584.1).

ClinVar aggregate classification (germline): Uncertain significance (1 of 4 stars; one submission).

Conditions:
Inborn genetic diseases. Identifiers: MedGen C0950123, MeSH D030342.

gnomAD v4.1: 2 of 1,614,080 alleles (0.00012%); highest among the groups gnomAD compares: Non-Finnish European, 0.00017%; no homozygotes.

Submission:

Ambry Genetics
Classification: Uncertain significance for Inborn genetic diseases. Last evaluated: 2025-12-09. Review status: criteria provided, single submitter. Criteria: Ambry Variant Classification Scheme 2023. Collection method: clinical testing. Allele origin: germline.
Comment: The c.3788A>G (p.D1263G) alteration is located in exon 25 (coding exon 24) of the CHD4 gene. This alteration results from a A to G substitution at nucleotide position 3788, causing the aspartic acid (D) at amino acid position 1263 to be replaced by a glycine (G). Based on data from gnomAD, the G allele has an overall frequency of <0.001% (1/251490) total alleles studied. The highest observed frequency was 0.001% (1/113764) of European (non-Finnish) alleles. Based on insufficient or conflicting evidence, the clinical significance of this alteration remains unclear.